The following is an entry in ClinVar:

ClinVar aggregate classification (germline): Pathogenic/Likely pathogenic. Review status: criteria provided, multiple submitters, no conflicts (2 of 4 stars). 3 submissions from 3 submitters: Pathogenic (2); Likely pathogenic (1). Last evaluated 2025-04-29.

Conditions:
Hereditary nonpolyposis colorectal neoplasms. Identifiers: MedGen C0009405, MeSH D003123.
Hereditary cancer-predisposing syndrome. Also called: Neoplastic Syndromes, Hereditary; Tumor predisposition; Hereditary Cancer Syndrome; Hereditary neoplastic syndrome. Identifiers: Orphanet 140162, MedGen C0027672, MeSH D009386, MONDO:0015356.

Submissions (3):

Labcorp Genetics (formerly Invitae), Labcorp
Classification: Pathogenic for Hereditary nonpolyposis colorectal neoplasms. Last evaluated: 2025-04-29. Review status: criteria provided, single submitter. Criteria: Invitae Variant Classification Sherloc (09022015). Collection method: clinical testing. Allele origin: germline.
Comment: This sequence change creates a premature translational stop signal (p.Ser476Profs*118) in the PMS2 gene. It is expected to result in an absent or disrupted protein product. Loss-of-function variants in PMS2 are known to be pathogenic (PMID: 21376568, 24362816). This variant is not present in population databases (gnomAD no frequency). This variant has not been reported in the literature in individuals affected with PMS2-related conditions. ClinVar contains an entry for this variant (Variation ID: 484330). For these reasons, this variant has been classified as Pathogenic.

Quest Diagnostics Nichols Institute San Juan Capistrano
Classification: Likely pathogenic. Last evaluated: 2025-03-16. Review status: criteria provided, single submitter. Criteria: Quest Diagnostics criteria. Collection method: clinical testing. Allele origin: unknown.
Comment: The PMS2 c.1425_1428del (p.Ser476Profs*118) variant alters the translational reading frame of the PMS2 mRNA and is predicted to cause the premature termination of PMS2 protein synthesis. This variant has not been reported in individuals with PMS2-related conditions in the published literature. This variant has not been reported in large, multi-ethnic general populations (Genome Aggregation Database). Based on the available information, this variant is classified as likely pathogenic.

Ambry Genetics
Classification: Pathogenic for Hereditary cancer-predisposing syndrome. Last evaluated: 2017-09-25. Review status: criteria provided, single submitter. Criteria: Ambry Variant Classification Scheme 2023. Collection method: clinical testing. Allele origin: germline.
Comment: The c.1425_1428delGAGT pathogenic mutation, located in coding exon 11 of the PMS2 gene, results from a deletion of 4 nucleotides at nucleotide positions 1425 to 1428, causing a translational frameshift with a predicted alternate stop codon (p.S476Pfs*118). This alteration is expected to result in loss of function by premature protein truncation or nonsense-mediated mRNA decay. As such, this alteration is interpreted as a disease-causing mutation.

Literature cited by the submitters: PubMed 21376568 (cited by Labcorp Genetics (formerly Invitae), Labcorp); PubMed 24362816 (cited by Labcorp Genetics (formerly Invitae), Labcorp).

NM_000535.7(PMS2):c.1425_1428del (p.Ser476fs)

Gene: PMS2 (PMS1 homolog 2, mismatch repair system component; minus strand). Cytogenetic location: 7p22.1.
Variant type: Deletion.
Coding change: c.1425_1428del on transcript NM_000535.7 (MANE Select); coding-DNA positions 1425 to 1428, 4 bases deleted (GAGT; older notation c.1425_1428delGAGT).
Protein change: p.Ser476fs; shifts the reading frame from serine 476.
Molecular consequence: frameshift variant. On other transcripts: non-coding transcript variant (1).
Genome position (GRCh38, 1-based): chr7:5,987,337-5,987,340, ACTC deleted on the plus strand (GAGT on the coding strand, the reverse complement: PMS2 is on the minus strand); deleting any 4 consecutive bases within chr7:5,987,337-5,987,343 gives the same sequence; the c. name uses the placement nearest the transcript's 3' end. VCF-style (leftmost placement, unchanged base first): chr7-5987336-AACTC-A. GRCh37 (hg19) VCF-style: chr7-6026967-AACTC-A.
Other names: c.1020_1023del, p.Ser341fs (NM_001322003.2, NM_001322004.2, NM_001322005.2 and 1 more transcripts); c.1269_1272del, p.Ser424fs (NM_001322006.2); c.1107_1110del, p.Ser370fs (NM_001322007.2, NM_001322008.2); c.864_867del, p.Ser289fs (NM_001322010.2); c.492_495del, p.Ser165fs (NM_001322011.2, NM_001322012.2); c.852_855del, p.Ser285fs (NM_001322013.2); c.1425_1428del, p.Ser476fs (NM_001322014.2); c.1116_1119del, p.Ser373fs (NM_001322015.2); and 1 more; short protein forms S289fs, S476fs, S165fs, S370fs, S373fs, S285fs, S341fs, S424fs.
Identifiers: ClinVar variation 484330 (VCV000484330.12), dbSNP rs1554297764, ClinGen allele CA658655977.